The following is an entry in ClinVar:

NM_001160148.2(DDHD1):c.2553C>G (p.Leu851=)

Gene: DDHD1 (DDHD domain containing 1; minus strand). Cytogenetic location: 14q22.1.
Variant type: single nucleotide variant.
Coding change: c.2553C>G on transcript NM_001160148.2 (MANE Select); coding-DNA position 2553, C replaced by G.
Protein change: p.Leu851=; no amino-acid change (leucine 851 retained).
Molecular consequence: synonymous variant.
Genome position (GRCh38, 1-based): chr14:53,046,918, G>C on the plus strand (C>G on the coding strand, the complement: DDHD1 is on the minus strand). VCF-style: chr14-53046918-G-C. GRCh37 (hg19) VCF-style: chr14-53513636-G-C.
Other names: c.2490C>G, p.Leu830= (NM_001160147.2); c.2469C>G, p.Leu823= (NM_030637.3).
Identifiers: ClinVar variation 387058 (VCV000387058.1), dbSNP rs1057522680, ClinGen allele CA16606995.

ClinVar aggregate classification (germline): Likely benign (1 of 4 stars; one submission).

Allele frequency attached by ClinVar (database versions not stated): gnomAD below 0.00001 and 0.00001.
gnomAD v4.1: 5 of 1,610,396 alleles (0.00031%); highest among the groups gnomAD compares: South Asian, 0.0055%; no homozygotes.

Submission:

GeneDx
Classification: Likely benign. Last evaluated: 2016-07-20. Review status: criteria provided, single submitter. Criteria: GeneDx Variant Classification (06012015). Collection method: clinical testing. Allele origin: germline. Affected: yes.
Comment: This variant is considered likely benign or benign based on one or more of the following criteria: it is a conservative change, it occurs at a poorly conserved position in the protein, it is predicted to be benign by multiple in silico algorithms, and/or has population frequency not consistent with disease.